The following is an entry in ClinVar:

NM_000530.8(MPZ):c.476G>C (p.Gly159Ala)

Gene: MPZ (myelin protein zero; minus strand). Cytogenetic location: 1q23.3.
Variant type: single nucleotide variant.
Coding change: c.476G>C on transcript NM_000530.8 (MANE Select); coding-DNA position 476, G replaced by C.
Protein change: p.Gly159Ala; replaces glycine 159 with alanine.
Molecular consequence: missense variant.
Genome position (GRCh38, 1-based): chr1:161,306,437, C>G on the plus strand (G>C on the coding strand, the complement: MPZ is on the minus strand). VCF-style: chr1-161306437-C-G. GRCh37 (hg19) VCF-style: chr1-161276227-C-G.
Other names: c.476G>C, p.Gly159Ala (NM_001315491.2); short protein forms G159A.
Identifiers: ClinVar variation 2574681 (VCV002574681.2), dbSNP rs993720865, ClinGen allele CA31668363.

ClinVar aggregate classification (germline): no classifications from unflagged records (0 of 4 stars; one submission).

Conditions:
Tip-toe gait. Also called: Toe walking. Identifiers: MedGen C0427144, HP:0030051.

Allele frequency attached by ClinVar (database versions not stated): gnomAD exomes below 0.00001.
gnomAD v4.1: 2 of 1,614,186 alleles (0.00012%); highest among the groups gnomAD compares: Non-Finnish European, 0.00017%; no homozygotes.

Submission:

Practice for Gait Abnormalities, David Pomarino, Competency Network Toe Walking C/o Practice Pomarino
Classification: Likely pathogenic for Tip-toe gait. Last evaluated: 2021-11-11. Review status: flagged submission. Collection method: clinical testing. Allele origin: germline. Affected: yes.
Comment: Hereditary motor sensory neuropathy (HMSN), also known as Charcot-Marie-Tooth Disease (CMT), is the most commonly inherited peripheral polyneuropathy. It constitutes a group of inherited, progressive, motor and sensory peripheral nerve disorders with properties of demyelination, axonal degeneration, or both. It is classified by clinical characteristics, modes of inheritance, electrophysiologic features, metabolic defects, and specific gene markers. Our patients all walk on tiptoe, so they show similar symptoms. When we genetically test them with our toe walking panel, we find that around 90 per cent of them have a genetic variant that explains their toe walking. These can be assigned, for example, to the area of myopathies (such as variants of the COL6A3 gene), the area of hereditary neuropathies (such as variants of the KMT2C gene) or the area of metabolic diseases (such as variants of the PYGM gene). In a smaller group of patients with almost identical symptoms, no abnormality is found in the genes of our panel, but spastic paraplegia can be detected. In another small group of our toe walkers, no abnormalities can be detected in the genes analysed in our toe walking panel, nor do they suffer from spastic paraplegia, as is also the case with healthy children. In contrast to these, however, they show a tiptoe gait. These patients suffer from infantile cerebral palsy, in which toe walking can also be observed.
ClinVar note: Notes: This gene has insufficient supporting evidence for isolated Tip-Toe Gait.
ClinVar note: Reason: Claim with insufficient supporting evidence

Literature cited by the submitters: PubMed 37091313.